The following is an entry in ClinVar:

NM_015340.4(LARS2):c.-103C>G

Gene: LARS2 (leucyl-tRNA synthetase 2, mitochondrial; plus strand). Cytogenetic location: 3p21.31.
Variant type: single nucleotide variant.
Coding change: c.-103C>G on transcript NM_015340.4 (MANE Select); 103 bases upstream of the start codon, C replaced by G.
Molecular consequence: 5 prime UTR variant.
Genome position (GRCh38, 1-based): chr3:45,388,665, C>G. VCF-style: chr3-45388665-C-G. GRCh37 (hg19) VCF-style: chr3-45430157-C-G.
Other names: c.-37C>G (NM_001368263.1).
Identifiers: ClinVar variation 508205 (VCV000508205.1), dbSNP rs1553625369, ClinGen allele CA658796297.

ClinVar aggregate classification (germline): Likely benign (1 of 4 stars; one submission).

Allele frequency attached by ClinVar (database versions not stated): gnomAD 0.00001.
gnomAD v4.1: 1 of 152,310 alleles (0.00066%); highest among the groups gnomAD compares: Admixed American, 0.0065%; no homozygotes.

Submission:

GeneDx
Classification: Likely benign. Last evaluated: 2017-05-15. Review status: criteria provided, single submitter. Criteria: GeneDx Variant Classification (06012015). Collection method: clinical testing. Allele origin: germline. Affected: yes.
Comment: This variant is considered likely benign or benign based on one or more of the following criteria: it is a conservative change, it occurs at a poorly conserved position in the protein, it is predicted to be benign by multiple in silico algorithms, and/or has population frequency not consistent with disease.